The following is an entry in ClinVar:

NM_021005.4(NR2F2):c.692C>T (p.Pro231Leu)

Gene: NR2F2 (nuclear receptor subfamily 2 group F member 2; plus strand). Cytogenetic location: 15q26.2.
Variant type: single nucleotide variant.
Coding change: c.692C>T on transcript NM_021005.4 (MANE Select); coding-DNA position 692, C replaced by T.
Protein change: p.Pro231Leu; replaces proline 231 with leucine.
Molecular consequence: missense variant.
Genome position (GRCh38, 1-based): chr15:96,334,325, C>T. VCF-style: chr15-96334325-C-T. GRCh37 (hg19) VCF-style: chr15-96877554-C-T.
Other names: c.293C>T, p.Pro98Leu (NM_001145155.2); c.233C>T, p.Pro78Leu (NM_001145156.1, NM_001145157.2); short protein forms P231L, P78L, P98L.
Identifiers: ClinVar variation 1311948 (VCV001311948.2), dbSNP rs2141169251, ClinGen allele CA393930965.

ClinVar aggregate classification (germline): Uncertain significance (1 of 4 stars; one submission).

Submission:

GeneDx
Classification: Uncertain significance. Last evaluated: 2020-01-30. Review status: criteria provided, single submitter. Criteria: GeneDx Variant Classification Process June 2021. Collection method: clinical testing. Allele origin: germline. Affected: yes.
Comment: Not observed in large population cohorts (Lek et al., 2016); In silico analysis, which includes protein predictors and evolutionary conservation, supports a deleterious effect; Has not been previously published as pathogenic or benign to our knowledge